The following is an entry in ClinVar:

NM_005120.3(MED12):c.2729A>G (p.Lys910Arg)

Gene: MED12 (mediator complex subunit 12; plus strand). Cytogenetic location: Xq13.1.
Variant type: single nucleotide variant.
Coding change: c.2729A>G on transcript NM_005120.3 (MANE Select); coding-DNA position 2729, A replaced by G.
Protein change: p.Lys910Arg; replaces lysine 910 with arginine.
Molecular consequence: missense variant.
Genome position (GRCh38, 1-based): chrX:71,127,012, A>G. VCF-style: chrX-71127012-A-G. GRCh37 (hg19) VCF-style: chrX-70346862-A-G.
Other names: short protein forms K910R.
Identifiers: ClinVar variation 1706287 (VCV001706287.5), dbSNP rs763052446, ClinGen allele CA10444399.

ClinVar aggregate classification (germline): Uncertain significance. Review status: criteria provided, multiple submitters, no conflicts (2 of 4 stars). 2 submissions from 2 submitters: Uncertain significance (2). Last evaluated 2024-11-16.

Conditions:
FG syndrome (FGS). Identifiers: MedGen C0220769, MONDO:0002010.

Allele frequency attached by ClinVar (database versions not stated): TOPMed below 0.00001; ExAC 0.00001.

Submissions (2):

Labcorp Genetics (formerly Invitae), Labcorp
Classification: Uncertain significance for FG syndrome. Last evaluated: 2024-11-16. Review status: criteria provided, single submitter. Criteria: Invitae Variant Classification Sherloc (09022015). Collection method: clinical testing. Allele origin: germline.
Comment: This sequence change replaces lysine, which is basic and polar, with arginine, which is basic and polar, at codon 910 of the MED12 protein (p.Lys910Arg). This variant is present in population databases (rs763052446, gnomAD 0.001%). This variant has not been reported in the literature in individuals affected with MED12-related conditions. ClinVar contains an entry for this variant (Variation ID: 1706287). Invitae Evidence Modeling of protein sequence and biophysical properties (such as structural, functional, and spatial information, amino acid conservation, physicochemical variation, residue mobility, and thermodynamic stability) has been performed for this missense variant. However, the output from this modeling did not meet the statistical confidence thresholds required to predict the impact of this variant on MED12 protein function. In summary, the available evidence is currently insufficient to determine the role of this variant in disease. Therefore, it has been classified as a Variant of Uncertain Significance.

GeneDx
Classification: Uncertain significance. Last evaluated: 2024-01-05. Review status: criteria provided, single submitter. Criteria: GeneDx Variant Classification Process June 2021. Collection method: clinical testing. Allele origin: germline.
Comment: Not observed at significant frequency in large population cohorts (gnomAD); In silico analysis supports that this missense variant does not alter protein structure/function; Has not been previously published as pathogenic or benign to our knowledge